The following is an entry in ClinVar:

ClinVar aggregate classification (germline): Likely pathogenic (0 of 4 stars; one submission).

Conditions:
NOTCH1-related disorder. Also called: NOTCH1-related condition; NOTCH1-related disorders.

Submission:

PreventionGenetics, part of Exact Sciences
Classification: Likely pathogenic for NOTCH1-related condition. Last evaluated: 2024-05-08. Review status: no assertion criteria provided. Collection method: clinical testing. Allele origin: germline.
Comment: The NOTCH1 c.2015-1G>A variant is predicted to disrupt the AG splice acceptor site and interfere with normal splicing. To our knowledge, this variant has not been reported in the literature or in a large population database, indicating this variant is rare. Variants that disrupt the consensus splice acceptor site in NOTCH1 are expected to be pathogenic. This variant is interpreted as likely pathogenic.

NM_017617.5(NOTCH1):c.2015-1G>A

Gene: NOTCH1 (notch receptor 1; minus strand). Cytogenetic location: 9q34.3.
Variant type: single nucleotide variant.
Coding change: c.2015-1G>A on transcript NM_017617.5 (MANE Select); the canonical splice acceptor site of the intron before coding-DNA position 2015, G replaced by A.
Molecular consequence: splice acceptor variant.
Genome position (GRCh38, 1-based): chr9:136,514,703, C>T on the plus strand (G>A on the coding strand, the complement: NOTCH1 is on the minus strand). VCF-style: chr9-136514703-C-T. GRCh37 (hg19) VCF-style: chr9-139409155-C-T.
Identifiers: ClinVar variation 3344576 (VCV003344576.1).